The following is an entry in ClinVar:

ClinVar aggregate classification (germline): Benign. Review status: criteria provided, multiple submitters, no conflicts (2 of 4 stars). 3 submissions from 3 submitters: Benign (3). Last evaluated 2024-01-24.

Allele frequency attached by ClinVar (database versions not stated): gnomAD exomes 0.30119; gnomAD 0.34566 and 0.34797; TOPMed 0.36186; 1000 Genomes Project 0.38279; 1000 Genomes Project 30x 0.38788.
gnomAD v4.1: 417,396 of 1,359,440 alleles (31%); highest among the groups gnomAD compares: African/African-American, 46%; 65,594 homozygotes.

Submissions (3):

Unidad de Genómica Garrahan, Hospital de Pediatría Garrahan
Classification: Benign. Last evaluated: 2024-01-24. Review status: criteria provided, single submitter. Criteria: ACMG Guidelines, 2015. Collection method: clinical testing. Allele origin: germline. Affected: no. Observed: 52 variant alleles.
Comment: This variant is classified as Benign based on local population frequency. This variant was detected in 59% of patients studied by a panel of primary immunodeficiencies. Number of patients: 52. Only high quality variants are reported.

GeneDx
Classification: Benign. Last evaluated: 2018-06-23. Review status: criteria provided, single submitter. Criteria: GeneDx Variant Classification Process June 2021. Collection method: clinical testing. Allele origin: germline. Affected: yes.

Breakthrough Genomics
Classification: Benign. Review status: criteria provided, single submitter. Criteria: ACMG Guidelines, 2015. Collection method: not provided. Allele origin: germline. Inheritance: Autosomal recessive inheritance. Affected: yes.

NM_000215.4(JAK3):c.184+96C>T

Gene: JAK3 (Janus kinase 3; minus strand). Cytogenetic location: 19p13.11.
Variant type: single nucleotide variant.
Coding change: c.184+96C>T on transcript NM_000215.4 (MANE Select); 96 bases into the intron after coding-DNA position 184, C replaced by T.
Molecular consequence: intron variant.
Genome position (GRCh38, 1-based): chr19:17,844,138, G>A on the plus strand (C>T on the coding strand, the complement: JAK3 is on the minus strand). VCF-style: chr19-17844138-G-A. GRCh37 (hg19) VCF-style: chr19-17954947-G-A.
Identifiers: ClinVar variation 1272699 (VCV001272699.4), dbSNP rs3212714, ClinGen allele CA15945361.
Genomic context (GRCh38, chr19:17,844,138, plus strand): 5'-CAACCCTGCACACCCTTCTCCATTACAAAACTCCTACTCATCCCCCAAAGCCCCAGCTCC[G>A]ATGCTGACTTCTGCAGGCAACTATTCCAGCTTCCAATCTTGGCCCCACACAGCCCCATCC-3'